The following is an entry in ClinVar:

NM_021620.4(PRDM13):c.1193A>T (p.Glu398Val)

Gene: PRDM13 (PR/SET domain 13; plus strand). Cytogenetic location: 6q16.2.
Variant type: single nucleotide variant.
Coding change: c.1193A>T on transcript NM_021620.4 (MANE Select); coding-DNA position 1193, A replaced by T.
Protein change: p.Glu398Val; replaces glutamic acid 398 with valine.
Molecular consequence: missense variant.
Genome position (GRCh38, 1-based): chr6:99,613,828, A>T. VCF-style: chr6-99613828-A-T. GRCh37 (hg19) VCF-style: chr6-100061704-A-T.
Other names: short protein forms E398V.
Identifiers: ClinVar variation 1305872 (VCV001305872.2), dbSNP rs2114500630, ClinGen allele CA365117896.

ClinVar aggregate classification (germline): Uncertain significance (1 of 4 stars; one submission).

Allele frequency attached by ClinVar (database versions not stated): gnomAD exomes below 0.00001.

Submission:

GeneDx
Classification: Uncertain significance. Last evaluated: 2020-11-17. Review status: criteria provided, single submitter. Criteria: GeneDx Variant Classification Process June 2021. Collection method: clinical testing. Allele origin: germline. Affected: yes.
Comment: Not observed in large population cohorts (Lek et al., 2016); In silico analysis, which includes protein predictors and evolutionary conservation, supports that this variant does not alter protein structure/function; Has not been previously published as pathogenic or benign to our knowledge